The following is an entry in ClinVar:

NM_002471.4(MYH6):c.2986A>G (p.Lys996Glu)

Gene: MYH6 (myosin heavy chain 6; minus strand). Cytogenetic location: 14q11.2.
Variant type: single nucleotide variant.
Coding change: c.2986A>G on transcript NM_002471.4 (MANE Select); coding-DNA position 2986, A replaced by G.
Protein change: p.Lys996Glu; replaces lysine 996 with glutamic acid.
Molecular consequence: missense variant.
Genome position (GRCh38, 1-based): chr14:23,393,461, T>C on the plus strand (A>G on the coding strand, the complement: MYH6 is on the minus strand). VCF-style: chr14-23393461-T-C. GRCh37 (hg19) VCF-style: chr14-23862670-T-C.
Other names: short protein forms K996E.
Identifiers: ClinVar variation 3400908 (VCV003400908.1).

ClinVar aggregate classification (germline): Uncertain significance (1 of 4 stars; one submission).

Conditions:
Cardiovascular phenotype. Identifiers: MedGen CN230736.

Submission:

Ambry Genetics
Classification: Uncertain significance for Cardiovascular phenotype. Last evaluated: 2024-12-05. Review status: criteria provided, single submitter. Criteria: Ambry Variant Classification Scheme 2023. Collection method: clinical testing. Allele origin: germline.
Comment: The p.K996E variant (also known as c.2986A>G), located in coding exon 21 of the MYH6 gene, results from an A to G substitution at nucleotide position 2986. The lysine at codon 996 is replaced by glutamic acid, an amino acid with similar properties. This amino acid position is conserved. In addition, this alteration is predicted to be deleterious by in silico analysis. Based on the available evidence, the clinical significance of this variant remains unclear.